The following is an entry in ClinVar:

ClinVar aggregate classification (germline): Uncertain significance (1 of 4 stars; one submission).

Conditions:
SAMD11-related disorder. Also called: SAMD11-related condition.

Submission:

PreventionGenetics, part of Exact Sciences
Classification: Uncertain significance for SAMD11-related condition. Last evaluated: 2024-02-27. Review status: criteria provided, single submitter. Criteria: ACMG Guidelines, 2015. Collection method: clinical testing. Allele origin: germline.
Comment: The SAMD11 c.870-10_897del38 variant is predicted to result in a deletion affecting a canonical splice site. To our knowledge, this variant has not been reported in the literature or in a large population database, indicating this variant is rare. At this time, the clinical significance of this variant is uncertain due to the absence of conclusive functional and genetic evidence.

NM_001385641.1(SAMD11):c.1359-10_1386del

Gene: SAMD11 (sterile alpha motif domain containing 11; plus strand). Cytogenetic location: 1p36.33.
Variant type: Deletion.
Coding change: c.1359-10_1386del on transcript NM_001385641.1 (MANE Select); 10 bases into the intron before coding-DNA position 1359 through coding-DNA position 1386, 38 bases deleted.
Molecular consequence: splice acceptor variant.
Genome position (GRCh38, 1-based): chr1:942,126-942,163, 38 bases deleted; deleting any 38 consecutive bases within chr1:942,122-942,163 gives the same sequence; the c. name uses the placement nearest the transcript's 3' end. GRCh37 (hg19): chr1:877,506-877,543.
Other names: c.1362-10_1389del (NM_001385640.1); c.870-10_897del (NM_152486.4).
Identifiers: ClinVar variation 3048460 (VCV003048460.1), dbSNP rs1641811353, ClinGen allele CA997651213.
Genomic context (GRCh38, chr1:942,121, plus strand): 5'-GGCGGGGGAGGGGCGCCGGGGCCTTTACGGGAACGGGGGCGGGGGGGACGCCGCTCATTG[CGCTGCCGTCCACAGGGAGCTGCCTCAGCCGCCCCCCTT>C]GCTGTCGCCGCAGAATGCCCCTCACGTCGCCCTGGGCCCCCATCTCAGGCCCCCCTTCCT-3'